The following is an entry in ClinVar:

ClinVar aggregate classification (germline): Uncertain significance (1 of 4 stars; one submission).

Submission:

Labcorp Genetics (formerly Invitae), Labcorp
Classification: Uncertain significance. Last evaluated: 2024-10-16. Review status: criteria provided, single submitter. Criteria: Invitae Variant Classification Sherloc (09022015). Collection method: clinical testing. Allele origin: germline.
Comment: This sequence change replaces glycine, which is neutral and non-polar, with glutamic acid, which is acidic and polar, at codon 65 of the SOX18 protein (p.Gly65Glu). This variant is not present in population databases (gnomAD no frequency). This variant has not been reported in the literature in individuals affected with SOX18-related conditions. ClinVar contains an entry for this variant (Variation ID: 2099617). Invitae Evidence Modeling of protein sequence and biophysical properties (such as structural, functional, and spatial information, amino acid conservation, physicochemical variation, residue mobility, and thermodynamic stability) indicates that this missense variant is not expected to disrupt SOX18 protein function with a negative predictive value of 80%. In summary, the available evidence is currently insufficient to determine the role of this variant in disease. Therefore, it has been classified as a Variant of Uncertain Significance.

NM_018419.3(SOX18):c.194G>A (p.Gly65Glu)

Gene: SOX18 (SRY-box transcription factor 18; minus strand). Cytogenetic location: 20q13.33.
Variant type: single nucleotide variant.
Coding change: c.194G>A on transcript NM_018419.3 (MANE Select); coding-DNA position 194, G replaced by A.
Protein change: p.Gly65Glu; replaces glycine 65 with glutamic acid.
Molecular consequence: missense variant.
Genome position (GRCh38, 1-based): chr20:64,049,323, C>T on the plus strand (G>A on the coding strand, the complement: SOX18 is on the minus strand). VCF-style: chr20-64049323-C-T. GRCh37 (hg19) VCF-style: chr20-62680676-C-T.
Other names: short protein forms G65E.
Identifiers: ClinVar variation 2099617 (VCV002099617.4), dbSNP rs2145418005, ClinGen allele CA409755732.